The following is an entry in ClinVar:

ClinVar aggregate classification (germline): Likely benign (1 of 4 stars; one submission).

gnomAD v4.1: 78 of 1,600,092 alleles (0.0049%); highest among the groups gnomAD compares: Non-Finnish European, 0.0061%; no homozygotes.

Submission:

CeGaT Center for Human Genetics Tuebingen
Classification: Likely benign. Last evaluated: 2025-03-01. Review status: criteria provided, single submitter. Criteria: CeGaT Center For Human Genetics Tuebingen Variant Classification Criteria Version 2. Collection method: clinical testing. Allele origin: germline. Affected: yes. Observed: 1 variant allele.
Comment: AXL: BP4, BP7

NM_021913.5(AXL):c.60C>T (p.Cys20=)

Gene: AXL (AXL receptor tyrosine kinase; plus strand). Cytogenetic location: 19q13.2.
Variant type: single nucleotide variant.
Coding change: c.60C>T on transcript NM_021913.5 (MANE Select); coding-DNA position 60, C replaced by T.
Protein change: p.Cys20=; no amino-acid change (cysteine 20 retained).
Molecular consequence: synonymous variant.
Genome position (GRCh38, 1-based): chr19:41,219,452, C>T. VCF-style: chr19-41219452-C-T. GRCh37 (hg19) VCF-style: chr19-41725357-C-T.
Other names: c.60C>T, p.Cys20= (NM_001699.6).
Identifiers: ClinVar variation 3778200 (VCV003778200.7).